The following is an entry in ClinVar:

NM_001260.3(CDK8):c.1196C>A (p.Pro399His)

Gene: CDK8 (cyclin dependent kinase 8; plus strand). Cytogenetic location: 13q12.13.
Variant type: single nucleotide variant.
Coding change: c.1196C>A on transcript NM_001260.3 (MANE Select); coding-DNA position 1196, C replaced by A.
Protein change: p.Pro399His; replaces proline 399 with histidine.
Molecular consequence: missense variant.
Genome position (GRCh38, 1-based): chr13:26,401,551, C>A. VCF-style: chr13-26401551-C-A. GRCh37 (hg19) VCF-style: chr13-26975688-C-A.
Other names: c.1193C>A, p.Pro398His (NM_001318368.2); c.677C>A, p.Pro226His (NM_001346501.2); short protein forms P226H, P398H, P399H.
Identifiers: ClinVar variation 4533289 (VCV004533289.1).

ClinVar aggregate classification (germline): Uncertain significance (1 of 4 stars; one submission).

Conditions:
Intellectual developmental disorder with hypotonia and behavioral abnormalities. Identifiers: MedGen C5231489, MONDO:0032897, OMIM 618748.

Submission:

Diagnostics Services (NGS), CSIR - Centre For Cellular And Molecular Biology
Classification: Uncertain significance for Intellectual developmental disorder with hypotonia and behavioral abnormalities. Last evaluated: 2025-10-30. Review status: criteria provided, single submitter. Criteria: ACMG Guidelines, 2015. Collection method: clinical testing. Allele origin: germline. Observed: 1 variant allele, 1 heterozygote.
Comment: The c.1196C>A variant is not present in 1000 Genomes, EVS, gnomAD, Indian Exome Database and our internal database. This variant has neither been published in the literature for CDK8-related conditions nor reported to the HGMD, ClinVar or OMIM databases, in any affected individuals. In-silico pathogenicity prediction programs like SIFT, Polyphen-2, MutationTaster2021, CADD etc predicted this variant to be likely deleterious however these predictions were not confirmed by published functional studies.